The following is an entry in ClinVar:

NM_014363.6(SACS):c.6852dup (p.Leu2285fs)

Gene: SACS (sacsin molecular chaperone; minus strand). Cytogenetic location: 13q12.12.
Variant type: Duplication.
Coding change: c.6852dup on transcript NM_014363.6 (MANE Select); coding-DNA position 6852, one base duplicated (A; older notation c.6852dupA).
Protein change: p.Leu2285fs; shifts the reading frame from leucine 2285.
Molecular consequence: frameshift variant.
Genome position (GRCh38, 1-based): chr13:23,337,024, T duplicated on the plus strand (A on the coding strand, the reverse complement: SACS is on the minus strand). VCF-style (leftmost placement, unchanged base first): chr13-23337023-G-GT. GRCh37 (hg19) VCF-style: chr13-23911162-G-GT.
Other names: c.6411dup, p.Leu2138fs (NM_001278055.2); c.6879dup, p.Leu2294fs (NM_001437336.1); short protein forms L2285fs, L2294fs, L2138fs.
Identifiers: ClinVar variation 5004275 (VCV005004275.1).

ClinVar aggregate classification (germline): Pathogenic (1 of 4 stars; one submission).

Conditions:
Charlevoix-Saguenay spastic ataxia (SACS). Also called: AUTOSOMAL RECESSIVE SPASTIC ATAXIA OF CHARLEVOIX-SAGUENAY; Spastic ataxia of Charlevoix-Saguenay; SPASTIC ATAXIA 6, AUTOSOMAL RECESSIVE. Identifiers: Orphanet 98, MedGen C1849140, MONDO:0010041, OMIM 270550.

Submission:

Myriad Genetics, Inc.
Classification: Pathogenic for Charlevoix-Saguenay spastic ataxia. Last evaluated: 2025-11-07. Review status: criteria provided, single submitter. Criteria: Myriad Autosomal Dominant, Autosomal Recessive and X-Linked Classification Criteria (2023). Collection method: clinical testing. Allele origin: unknown.
Comment: NM_014363.4(SACS):c.6852dupA(L2285Tfs*7) is a frameshift variant classified as pathogenic in the context of autosomal recessive spastic ataxia of Charlevoix-Saguenay. L2285Tfs*7 has not been observed in cases with relevant disease. Relevant functional assessments of this variant are not available in the literature. L2285Tfs*7 has not been observed in referenced population frequency databases. In summary, NM_014363.4(SACS):c.6852dupA(L2285Tfs*7) is a frameshift variant in a gene where loss of function is a known mechanism of disease and is predicted to disrupt protein function. Please note: this variant was assessed in the context of healthy population screening.